The following is an entry in ClinVar:

ClinVar aggregate classification (germline): Pathogenic (1 of 4 stars; one submission).

Submission:

Labcorp Genetics (formerly Invitae), Labcorp
Classification: Pathogenic. Last evaluated: 2023-06-17. Review status: criteria provided, single submitter. Criteria: Invitae Variant Classification Sherloc (09022015). Collection method: clinical testing. Allele origin: germline.
Comment: This sequence change creates a premature translational stop signal (p.Gln526*) in the ADGRV1 gene. It is expected to result in an absent or disrupted protein product. Loss-of-function variants in ADGRV1 are known to be pathogenic (PMID: 19357117, 22135276, 22147658, 26226137, 30718709, 31047384, 32467589). This variant is not present in population databases (gnomAD no frequency). This variant has not been reported in the literature in individuals affected with ADGRV1-related conditions. Algorithms developed to predict the effect of sequence changes on RNA splicing suggest that this variant may disrupt the consensus splice site. For these reasons, this variant has been classified as Pathogenic.

Literature cited by the submitters: PubMed 19357117; PubMed 22135276; PubMed 22147658; PubMed 26226137; PubMed 30718709; PubMed 31047384; PubMed 32467589.

NM_032119.4(ADGRV1):c.1576C>T (p.Gln526Ter)

Gene: ADGRV1 (adhesion G protein-coupled receptor V1; plus strand). Cytogenetic location: 5q14.3.
Variant type: single nucleotide variant.
Coding change: c.1576C>T on transcript NM_032119.4 (MANE Select); coding-DNA position 1576, C replaced by T.
Protein change: p.Gln526Ter; replaces glutamine 526 with a stop codon.
Molecular consequence: nonsense. On other transcripts: non-coding transcript variant (1).
Genome position (GRCh38, 1-based): chr5:90,629,276, C>T. VCF-style: chr5-90629276-C-T. GRCh37 (hg19) VCF-style: chr5-89925093-C-T.
Other names: short protein forms Q526*.
Identifiers: ClinVar variation 3005708 (VCV003005708.3), dbSNP rs980935587, ClinGen allele CA360373425.